The following is an entry in ClinVar:

NM_018518.5(MCM10):c.2274A>T (p.Pro758=)

Gene: MCM10 (minichromosome maintenance 10 replication initiation factor; plus strand). Cytogenetic location: 10p13.
Variant type: single nucleotide variant.
Coding change: c.2274A>T on transcript NM_018518.5 (MANE Select); coding-DNA position 2274, A replaced by T.
Protein change: p.Pro758=; no amino-acid change (proline 758 retained).
Molecular consequence: synonymous variant.
Genome position (GRCh38, 1-based): chr10:13,201,456, A>T. VCF-style: chr10-13201456-A-T. GRCh37 (hg19) VCF-style: chr10-13243456-A-T.
Other names: c.2277A>T, p.Pro759= (NM_182751.3).
Identifiers: ClinVar variation 5041370 (VCV005041370.1).

ClinVar aggregate classification (germline): Likely benign (1 of 4 stars; one submission).

gnomAD v4.1: 149 of 1,613,342 alleles (0.0092%); highest among the groups gnomAD compares: African/African-American, 0.18%; no homozygotes.

Submission:

CeGaT Center for Human Genetics Tuebingen
Classification: Likely benign. Last evaluated: 2026-09-01. Review status: criteria provided, single submitter. Criteria: CeGaT Center For Human Genetics Tuebingen Variant Classification Criteria Version 2. Collection method: clinical testing. Allele origin: germline. Affected: yes. Observed: 1 variant allele.
Comment: MCM10: BP4, BP7